The following is an entry in ClinVar:

ClinVar aggregate classification (germline): Benign. Review status: criteria provided, multiple submitters, no conflicts (2 of 4 stars). 2 submissions from 2 submitters: Benign (2). Last evaluated 2018-06-19.

Allele frequency attached by ClinVar (database versions not stated): 1000 Genomes Project 0.25000; 1000 Genomes Project 30x 0.26109; gnomAD 0.31543 and 0.32978; TOPMed 0.33643.
gnomAD v4.1: 47,991 of 152,108 alleles (32%); highest among the groups gnomAD compares: African/African-American, 53%; 9,396 homozygotes.

Submissions (2):

GeneDx
Classification: Benign. Last evaluated: 2018-06-19. Review status: criteria provided, single submitter. Criteria: GeneDx Variant Classification (06012015). Collection method: clinical testing. Allele origin: germline. Affected: yes.
Comment: This variant is considered likely benign or benign based on one or more of the following criteria: it is a conservative change, it occurs at a poorly conserved position in the protein, it is predicted to be benign by multiple in silico algorithms, and/or has population frequency not consistent with disease.

Breakthrough Genomics
Classification: Benign. Review status: criteria provided, single submitter. Criteria: ACMG Guidelines, 2015. Collection method: not provided. Allele origin: germline. Inheritance: Autosomal recessive inheritance. Affected: yes.

NM_006096.4(NDRG1):c.-18-170A>G

Gene: NDRG1 (N-myc downstream regulated 1; minus strand). Cytogenetic location: 8q24.22.
Variant type: single nucleotide variant.
Coding change: c.-18-170A>G on transcript NM_006096.4 (MANE Select); 170 bases into the intron before 18 bases upstream of the start codon, A replaced by G.
Molecular consequence: intron variant.
Genome position (GRCh38, 1-based): chr8:133,284,499, T>C on the plus strand (A>G on the coding strand, the complement: NDRG1 is on the minus strand). VCF-style: chr8-133284499-T-C. GRCh37 (hg19) VCF-style: chr8-134296742-T-C.
Other names: c.-100+12635A>G (NM_001258432.2); c.-135-4232A>G (NM_001374847.1); c.-155-170A>G (NM_001258433.2); c.-18-170A>G (NM_001374844.1, NM_001135242.2, NM_001374845.1 and 1 more transcripts).
Identifiers: ClinVar variation 667650 (VCV000667650.2), dbSNP rs7820205, ClinGen allele CA12799062.